The following is an entry in ClinVar:

ClinVar aggregate classification (germline): Conflicting classifications of pathogenicity. Review status: criteria provided, conflicting classifications (1 of 4 stars). 4 submissions from 4 submitters: Uncertain significance (3); Likely benign (1). Last evaluated 2025-10-29.

Conditions:
Cardiovascular phenotype. Identifiers: MedGen CN230736.
Long QT syndrome (LQTS). Identifiers: MedGen C0023976, MeSH D008133, MONDO:0002442. Disease mechanism: loss of function. Inheritance: Various modes of inheritance.

Allele frequency attached by ClinVar (database versions not stated): gnomAD exomes 0.00002 and 0.00004; gnomAD 0.00004 and 0.00005; ExAC 0.00006; TOPMed 0.00002; 1000 Genomes Project 30x 0.00016; 1000 Genomes Project 0.00020.

Submissions (4):

Labcorp Genetics (formerly Invitae), Labcorp
Classification: Uncertain significance for Long QT syndrome. Last evaluated: 2025-10-29. Review status: criteria provided, single submitter. Criteria: Invitae Variant Classification Sherloc (09022015). Collection method: clinical testing. Allele origin: germline.
Comment: This sequence change replaces arginine, which is basic and polar, with tryptophan, which is neutral and slightly polar, at codon 274 of the SNTA1 protein (p.Arg274Trp). The frequency data for this variant in the population databases is considered unreliable, as metrics indicate poor data quality at this position in the gnomAD database. This variant has not been reported in the literature in individuals affected with SNTA1-related conditions. ClinVar contains an entry for this variant (Variation ID: 412219). Invitae Evidence Modeling of protein sequence and biophysical properties (such as structural, functional, and spatial information, amino acid conservation, physicochemical variation, residue mobility, and thermodynamic stability) indicates that this missense variant is not expected to disrupt SNTA1 protein function with a negative predictive value of 80%. In summary, the available evidence is currently insufficient to determine the role of this variant in disease. Therefore, it has been classified as a Variant of Uncertain Significance.

Ambry Genetics
Classification: Likely benign for Cardiovascular phenotype. Last evaluated: 2021-05-26. Review status: criteria provided, single submitter. Criteria: Ambry Variant Classification Scheme 2023. Collection method: clinical testing. Allele origin: germline.

GeneDx
Classification: Uncertain significance. Last evaluated: 2019-06-17. Review status: criteria provided, single submitter. Criteria: GeneDx Variant Classification Process June 2021. Collection method: clinical testing. Allele origin: germline. Affected: yes.
Comment: In silico analysis, which includes protein predictors and evolutionary conservation, supports that this variant does not alter protein structure/function; Has not been previously published as pathogenic or benign to our knowledge

Stanford Center for Inherited Cardiovascular Disease, Stanford University
Classification: Uncertain significance. Last evaluated: 2016-11-02. Review status: criteria provided, single submitter. Criteria: ACMG Guidelines, 2015. Collection method: provider interpretation. Allele origin: germline.

NM_003098.3(SNTA1):c.820C>T (p.Arg274Trp)

Gene: SNTA1 (syntrophin alpha 1; minus strand). Cytogenetic location: 20q11.21.
Variant type: single nucleotide variant.
Coding change: c.820C>T on transcript NM_003098.3 (MANE Select); coding-DNA position 820, C replaced by T.
Protein change: p.Arg274Trp; replaces arginine 274 with tryptophan.
Molecular consequence: missense variant.
Genome position (GRCh38, 1-based): chr20:33,412,664, G>A on the plus strand (C>T on the coding strand, the complement: SNTA1 is on the minus strand). VCF-style: chr20-33412664-G-A. GRCh37 (hg19) VCF-style: chr20-32000470-G-A.
Other names: short protein forms R274W.
Identifiers: ClinVar variation 412219 (VCV000412219.18), dbSNP rs201763667, ClinGen allele CA9817131.
Genomic context (GRCh38, chr20:33,412,664, plus strand): 5'-TGTCCTGGCTCCCAGCTGTGCTGGTGGCTGCCAACAGTGCCTGCAGCTCATCCTTGACCC[G>A]CGGCGTCAGAGTATTGACCTGGGCTTGGATGGCAGTCGCCCACGACCTCGCACTAGCCTC-3'
Protein context (NP_003089.1, residues 264-284): IQAQVNTLTP[Arg274Trp]VKDELQALLA